The following is an entry in ClinVar:

ClinVar aggregate classification (germline): Pathogenic (1 of 4 stars; one submission).

Submission:

Labcorp Genetics (formerly Invitae), Labcorp
Classification: Pathogenic. Last evaluated: 2024-12-07. Review status: criteria provided, single submitter. Criteria: Invitae Variant Classification Sherloc (09022015). Collection method: clinical testing. Allele origin: germline.
Comment: This sequence change creates a premature translational stop signal (p.Gly962Argfs*42) in the DOCK6 gene. It is expected to result in an absent or disrupted protein product. Loss-of-function variants in DOCK6 are known to be pathogenic (PMID: 21820096, 25824905). This variant is not present in population databases (gnomAD no frequency). This variant has not been reported in the literature in individuals affected with DOCK6-related conditions. For these reasons, this variant has been classified as Pathogenic.

Literature cited by the submitters: PubMed 21820096; PubMed 25824905.

NM_020812.4(DOCK6):c.2883dup (p.Gly962fs)

Gene: DOCK6 (dedicator of cytokinesis 6; minus strand). Cytogenetic location: 19p13.2.
Variant type: Duplication.
Coding change: c.2883dup on transcript NM_020812.4 (MANE Select); coding-DNA position 2883, one base duplicated (C; older notation c.2883dupC).
Protein change: p.Gly962fs; shifts the reading frame from glycine 962.
Molecular consequence: frameshift variant.
Genome position (GRCh38, 1-based): chr19:11,227,409, G duplicated on the plus strand (C on the coding strand, the reverse complement: DOCK6 is on the minus strand); the first of 4 consecutive G bases (chr19:11,227,409-11,227,412); duplicating any one gives the same sequence. VCF-style (leftmost placement, unchanged base first): chr19-11227408-C-CG. GRCh37 (hg19) VCF-style: chr19-11338084-C-CG.
Other names: c.2988dup, p.Gly997fs (NM_001367830.1); short protein forms G962fs, G997fs.
Identifiers: ClinVar variation 3673231 (VCV003673231.2).
Genomic context (GRCh38, chr19:11,227,408, plus strand): 5'-GGGTGATGACCTCCAGGCCCACAGAGCCCACCAAGGCAGTGATGTCGTCCAGGAAGCGTC[C>CG]GGGGAAGCGCAGCTTGCGGGGTGTGTCTAGTCGCTGGCCAAGCAGCAGGTGCAGCGCCAT-3'